The following is an entry in ClinVar:

ClinVar aggregate classification (germline): Likely benign (1 of 4 stars; one submission).

Conditions:
ECE1-related disorder. Also called: ECE1-related condition.

gnomAD v4.1: 72 of 1,614,270 alleles (0.0045%); highest among the groups gnomAD compares: East Asian, 0.12%; no homozygotes.

Submission:

PreventionGenetics, part of Exact Sciences
Classification: Likely benign for ECE1-related condition. Last evaluated: 2024-11-26. Review status: criteria provided, single submitter. Criteria: ACMG Guidelines, 2015. Collection method: clinical testing. Allele origin: germline.
Comment: This variant is classified as likely benign based on ACMG/AMP sequence variant interpretation guidelines (Richards et al. 2015 PMID: 25741868, with internal and published modifications).

NM_001397.3(ECE1):c.2287C>G (p.Pro763Ala)

Gene: ECE1 (endothelin converting enzyme 1; minus strand). Cytogenetic location: 1p36.12.
Variant type: single nucleotide variant.
Coding change: c.2287C>G on transcript NM_001397.3 (MANE Select); coding-DNA position 2287, C replaced by G.
Protein change: p.Pro763Ala; replaces proline 763 with alanine.
Molecular consequence: missense variant.
Genome position (GRCh38, 1-based): chr1:21,219,981, G>C on the plus strand (C>G on the coding strand, the complement: ECE1 is on the minus strand). VCF-style: chr1-21219981-G-C. GRCh37 (hg19) VCF-style: chr1-21546474-G-C.
Other names: c.2251C>G, p.Pro751Ala (NM_001113347.2); c.2239C>G, p.Pro747Ala (NM_001113348.2); c.2278C>G, p.Pro760Ala (NM_001113349.2); short protein forms P747A, P751A, P760A, P763A.
Identifiers: ClinVar variation 4981731 (VCV004981731.1).